The following is an entry in ClinVar:

ClinVar aggregate classification (germline): Likely pathogenic (1 of 4 stars; one submission).

Submission:

Athena Diagnostics
Classification: Likely pathogenic. Last evaluated: 2020-09-28. Review status: criteria provided, single submitter. Criteria: Athena Diagnostics criteria. Collection method: clinical testing. Allele origin: unknown.
Comment: This variant has not been reported in large, multi-ethnic general populations. This variant appears to be associated with disease in at least one family, however, the available information does not rule out an apparent association due to chance. Computational tools predict that this variant is damaging. The variant is located in a region that is considered important for protein function and/or structure.

NM_006796.3(AFG3L2):c.2025T>A (p.Phe675Leu)

Gene: AFG3L2 (AFG3 like matrix AAA peptidase subunit 2; minus strand). Cytogenetic location: 18p11.21.
Variant type: single nucleotide variant.
Coding change: c.2025T>A on transcript NM_006796.3 (MANE Select); coding-DNA position 2025, T replaced by A.
Protein change: p.Phe675Leu; replaces phenylalanine 675 with leucine.
Molecular consequence: missense variant.
Genome position (GRCh38, 1-based): chr18:12,337,491, A>T on the plus strand (T>A on the coding strand, the complement: AFG3L2 is on the minus strand). VCF-style: chr18-12337491-A-T. GRCh37 (hg19) VCF-style: chr18-12337490-A-T.
Other names: short protein forms F675L.
Identifiers: ClinVar variation 994947 (VCV000994947.2), dbSNP rs1907788208, ClinGen allele CA401944239.
Genomic context (GRCh38, chr18:12,337,491, plus strand): 5'-TCTTGCAGTGGCTTCACTGTAAGGTTTCTCCAATACCATGTCCCCCTGACGTGGGAGGTC[A>T]AAGGAGATTTGCCCAACCTTTTCATTCATGCCAAACTGAACAATCTGAAAAATACATAAT-3'
Protein context (NP_006787.2, residues 665-685): GMNEKVGQIS[Phe675Leu]DLPRQGDMVL